The following is an entry in ClinVar:

NM_001614.5(ACTG1):c.82C>G (p.Arg28Gly)

Genes: ACTG1 (actin gamma 1; minus strand), LOC130061940 (ATAC-STARR-seq lymphoblastoid active region 12964; plus strand). Cytogenetic location: 17q25.3.
Variant type: single nucleotide variant.
Coding change: c.82C>G on transcript NM_001614.5 (MANE Select); coding-DNA position 82, C replaced by G.
Protein change: p.Arg28Gly; replaces arginine 28 with glycine.
Molecular consequence: missense variant. On other transcripts: non-coding transcript variant (1).
Genome position (GRCh38, 1-based): chr17:81,512,273, G>C on the plus strand (C>G on the coding strand, the complement: ACTG1 is on the minus strand). VCF-style: chr17-81512273-G-C. GRCh37 (hg19) VCF-style: chr17-79479299-G-C.
Other names: c.82C>G, p.Arg28Gly (NM_001199954.3); short protein forms R28G.
Identifiers: ClinVar variation 3359682 (VCV003359682.2).
Genomic context (GRCh38, chr17:81,512,273, plus strand): 5'-CGCGGCGCCATCCACTCACCTGGTGTCTGGGGCGCCCGACGATGGAAGGAAACACGGCTC[G>C]GGGAGCGTCGTCCCCAGCAAAACCAGCTTTGCACATGCCGGAGCCATTGTCAATGACCAG-3'
Protein context (NP_001605.1, residues 18-38): KAGFAGDDAP[Arg28Gly]AVFPSIVGRP

ClinVar aggregate classification (germline): Uncertain significance (1 of 4 stars; one submission).

Submission:

GeneDx
Classification: Uncertain significance. Last evaluated: 2025-03-21. Review status: criteria provided, single submitter. Criteria: GeneDx Variant Classification Process June 2021. Collection method: clinical testing. Allele origin: germline.
Comment: Has not been previously published as pathogenic or benign to our knowledge; In silico analysis supports that this missense variant has a deleterious effect on protein structure/function; Missense variants in this gene are often considered pathogenic (HGMD)